The following is an entry in ClinVar:

NM_000059.4(BRCA2):c.1246A>G (p.Ile416Val)

Gene: BRCA2 (BRCA2 DNA repair associated; plus strand). Cytogenetic location: 13q13.1.
Variant type: single nucleotide variant.
Coding change: c.1246A>G on transcript NM_000059.4 (MANE Select); coding-DNA position 1246, A replaced by G.
Protein change: p.Ile416Val; replaces isoleucine 416 with valine.
Molecular consequence: missense variant.
Genome position (GRCh38, 1-based): chr13:32,332,724, A>G. VCF-style: chr13-32332724-A-G. GRCh37 (hg19) VCF-style: chr13-32906861-A-G.
Other names: short protein forms I416V.
Identifiers: ClinVar variation 187406 (VCV000187406.24), dbSNP rs786203710, ClinGen allele CA011314.

ClinVar aggregate classification (germline): Conflicting classifications of pathogenicity. Review status: criteria provided, conflicting classifications (1 of 4 stars). 7 submissions from 7 submitters: Uncertain significance (6); Likely benign (1). Last evaluated 2025-08-11.

Conditions:
Hereditary breast ovarian cancer syndrome. Also called: Hereditary breast and ovarian cancer; Hereditary breast and ovarian cancer syndrome; Breast and ovarian cancer; Hereditary breast and ovarian cancer syndrome (HBOC); Hereditary breast and/or ovarian cancer syndrome; BRCA1- and BRCA2-Associated Hereditary Breast and Ovarian Cancer. Identifiers: Orphanet 145, MedGen C0677776, MeSH D061325, MONDO:0003582. Disease mechanism: loss of function.
Hereditary cancer-predisposing syndrome. Also called: Hereditary Cancer Syndrome; Neoplastic Syndromes, Hereditary; Tumor predisposition; Hereditary neoplastic syndrome. Identifiers: Orphanet 140162, MedGen C0027672, MeSH D009386, MONDO:0015356.
Breast-ovarian cancer, familial, susceptibility to, 2 (BROVCA2). Also called: BRCA2 Hereditary Breast and Ovarian Cancer. Identifiers: Orphanet 145, MedGen C2675520, MONDO:0012933, OMIM 612555. Disease mechanism: loss of function.

Allele frequency attached by ClinVar (database versions not stated): gnomAD exomes 0.00001.
gnomAD v4.1: 9 of 1,613,206 alleles (0.00056%); highest among the groups gnomAD compares: Non-Finnish European, 0.00076%; no homozygotes.

Submissions (7):

Ambry Genetics
Classification: Uncertain significance for Hereditary cancer-predisposing syndrome. Last evaluated: 2025-08-11. Review status: criteria provided, single submitter. Criteria: Ambry Variant Classification Scheme 2023. Collection method: clinical testing. Allele origin: germline.
Comment: The p.I416V variant (also known as c.1246A>G), located in coding exon 9 of the BRCA2 gene, results from an A to G substitution at nucleotide position 1246. The isoleucine at codon 416 is replaced by valine, an amino acid with highly similar properties. This amino acid position is not well conserved in available vertebrate species. In addition, this alteration is predicted to be tolerated by in silico analysis. Since supporting evidence is limited at this time, the clinical significance of this alteration remains unclear.

Women's Health and Genetics/Laboratory Corporation of America, LabCorp
Classification: Uncertain significance. Last evaluated: 2025-07-11. Review status: criteria provided, single submitter. Criteria: LabCorp Variant Classification Summary - May 2015. Collection method: clinical testing. Allele origin: germline.
Comment: Variant summary: BRCA2 c.1246A>G (p.Ile416Val) results in a conservative amino acid change in the encoded protein sequence. Algorithms developed to predict the effect of missense changes on protein structure and function all suggest that this variant is likely to be tolerated. The variant was absent in 249452 control chromosomes. The available data on variant occurrences in the general population are insufficient to allow any conclusion about variant significance. c.1246A>G has been observed in at least one individual affected with Hereditary Breast And Ovarian Cancer Syndrome (e.g. Poulet_2016). However, this report does not provide unequivocal conclusions about association of the variant with Hereditary Breast And Ovarian Cancer Syndrome. To our knowledge, no experimental evidence demonstrating an impact on protein function has been reported. The following publication has been ascertained in the context of this evaluation (PMID: 27656653). ClinVar contains an entry for this variant (Variation ID: 187406). Based on the evidence outlined above, the variant was classified as uncertain significance.

Labcorp Genetics (formerly Invitae), Labcorp
Classification: Uncertain significance for Hereditary breast ovarian cancer syndrome. Last evaluated: 2024-08-13. Review status: criteria provided, single submitter. Criteria: Invitae Variant Classification Sherloc (09022015). Collection method: clinical testing. Allele origin: germline.
Comment: This sequence change replaces isoleucine, which is neutral and non-polar, with valine, which is neutral and non-polar, at codon 416 of the BRCA2 protein (p.Ile416Val). This variant is not present in population databases (gnomAD no frequency). This variant has not been reported in the literature in individuals affected with BRCA2-related conditions. ClinVar contains an entry for this variant (Variation ID: 187406). Invitae Evidence Modeling of protein sequence and biophysical properties (such as structural, functional, and spatial information, amino acid conservation, physicochemical variation, residue mobility, and thermodynamic stability) indicates that this missense variant is not expected to disrupt BRCA2 protein function with a negative predictive value of 95%. In summary, the available evidence is currently insufficient to determine the role of this variant in disease. Therefore, it has been classified as a Variant of Uncertain Significance.

All of Us Research Program, National Institutes of Health
Classification: Uncertain significance for Breast-ovarian cancer, familial, susceptibility to, 2. Last evaluated: 2023-04-27. Review status: criteria provided, single submitter. Criteria: ACMG Guidelines, 2015. Collection method: clinical testing. Allele origin: germline. Inheritance: Autosomal dominant inheritance. Observed: 1 variant allele, 1 heterozygote.
Comment: This missense variant replaces isoleucine with valine at codon 416 of the BRCA2 protein. Computational prediction suggests that this variant may not impact protein structure and function (internally defined REVEL score threshold <= 0.5, PMID: 27666373). Splice site prediction tools suggest that this variant may not impact RNA splicing. To our knowledge, functional studies have not been performed for this variant. This variant has been reported in a family affected with breast and/or ovarian cancer (PMID: 27656653). This variant has not been identified in the general population by the Genome Aggregation Database (gnomAD). The available evidence is insufficient to determine the role of this variant in disease conclusively. Therefore, this variant is classified as a Variant of Uncertain Significance.

This study involves interpretation of variants in research participants for the purpose of population health screening. Participant phenotype was not available at the time of variant classification. Additional details can be found in publication PMID: 35346344, PMCID: PMC8962531

University of Washington Department of Laboratory Medicine, University of Washington
Classification: Likely benign for Hereditary cancer-predisposing syndrome. Last evaluated: 2023-03-23. Review status: criteria provided, single submitter. Criteria: Dines et al. (Genet Med. 2020). Collection method: curation. Allele origin: germline.
Comment: Missense variant in a coldspot region where missense variants are very unlikely to be pathogenic (PMID:31911673).

BRCA2 exon 10 coldspot. Reclassification based on statistical prior probability.

GeneDx
Classification: Uncertain significance. Last evaluated: 2021-04-19. Review status: criteria provided, single submitter. Criteria: GeneDx Variant Classification Process June 2021. Collection method: clinical testing. Allele origin: germline. Affected: yes.
Comment: Not observed in large population cohorts (Lek 2016); In silico analysis supports that this missense variant does not alter protein structure/function; Has not been previously published as pathogenic or benign to our knowledge; Also known as 1474A>G

Color Diagnostics, LLC DBA Color Health
Classification: Uncertain significance for Hereditary cancer-predisposing syndrome. Last evaluated: 2020-10-27. Review status: criteria provided, single submitter. Criteria: ACMG Guidelines, 2015. Collection method: clinical testing. Allele origin: germline.
Comment: This missense variant replaces isoleucine with valine at codon 416 of the BRCA2 protein. Computational prediction suggests that this variant may not impact protein structure and function (internally defined REVEL score threshold <= 0.5, PMID: 27666373). Splice site prediction tools suggest that this variant may not impact RNA splicing. To our knowledge, functional studies have not been performed for this variant. This variant has been reported in a family affected with breast and/or ovarian cancer (PMID: 27656653). This variant has not been identified in the general population by the Genome Aggregation Database (gnomAD). The available evidence is insufficient to determine the role of this variant in disease conclusively. Therefore, this variant is classified as a Variant of Uncertain Significance.

Literature cited by the submitters: PubMed 27656653 (cited by Women's Health and Genetics/Laboratory Corporation of America, LabCorp and All of Us Research Program, National Institutes of Health).